The following is an entry in ClinVar:

NM_001204.7(BMPR2):c.1233_1236dup (p.Tyr413fs)

Gene: BMPR2 (bone morphogenetic protein receptor type 2; plus strand). Cytogenetic location: 2q33.2.
Variant type: Duplication.
Coding change: c.1233_1236dup on transcript NM_001204.7 (MANE Select); coding-DNA positions 1233 to 1236, 4 bases duplicated (AATC; older notation c.1233_1236dupAATC).
Protein change: p.Tyr413fs; shifts the reading frame from tyrosine 413.
Molecular consequence: frameshift variant.
Genome position (GRCh38, 1-based): chr2:202,532,689-202,532,692, AATC duplicated. VCF-style (leftmost placement, unchanged base first): chr2-202532688-T-TAATC. GRCh37 (hg19) VCF-style: chr2-203397411-T-TAATC.
Other names: short protein forms Y413fs.
Identifiers: ClinVar variation 967816 (VCV000967816.7), dbSNP rs1688050712, ClinGen allele CA1139657615.
Genomic context (GRCh38, chr2:202,532,688, plus strand): 5'-CTGTGAACTTGAGGGACTGTGAATCAGCTTTGAAACAAGTAGACATGTATGCTCTTGGAC[T>TAATC]AATCTATTGGGAGATATTTATGAGATGTACAGACCTCTTCCCAGGTAAAAACTACTGTCA-3'

ClinVar aggregate classification (germline): Pathogenic (1 of 4 stars; one submission).

Conditions:
Primary pulmonary hypertension. Also called: Idiopathic pulmonary hypertension. Identifiers: MedGen C0152171.

Submission:

Labcorp Genetics (formerly Invitae), Labcorp
Classification: Pathogenic for Primary pulmonary hypertension. Last evaluated: 2019-11-07. Review status: criteria provided, single submitter. Criteria: Invitae Variant Classification Sherloc (09022015). Collection method: clinical testing. Allele origin: germline.
Comment: For these reasons, this variant has been classified as Pathogenic. This sequence change creates a premature translational stop signal (p.Tyr413Asnfs*36) in the BMPR2 gene. It is expected to result in an absent or disrupted protein product. This variant is not present in population databases (ExAC no frequency). This variant has not been reported in the literature in individuals with BMPR2-related conditions. Loss-of-function variants in BMPR2 are known to be pathogenic (PMID: 16429395).

Literature cited by the submitters: PubMed 16429395.